The following is an entry in ClinVar:

ClinVar aggregate classification (germline): Uncertain significance (1 of 4 stars; one submission).

Submission:

Labcorp Genetics (formerly Invitae), Labcorp
Classification: Uncertain significance. Last evaluated: 2024-02-15. Review status: criteria provided, single submitter. Criteria: Invitae Variant Classification Sherloc (09022015). Collection method: clinical testing. Allele origin: germline.
Comment: This sequence change replaces leucine, which is neutral and non-polar, with glycine, which is neutral and non-polar, at codon 1481 of the MYH7B protein (p.Leu1481Gly). This variant is present in population databases (no rsID available, gnomAD 0.0007%). This variant has not been reported in the literature in individuals affected with MYH7B-related conditions. An algorithm developed to predict the effect of missense changes on protein structure and function (PolyPhen-2) suggests that this variant is likely to be disruptive. In summary, the available evidence is currently insufficient to determine the role of this variant in disease. Therefore, it has been classified as a Variant of Uncertain Significance.

NM_020884.7(MYH7B):c.4315_4316delinsGG (p.Leu1439Gly)

Gene: MYH7B (myosin heavy chain 7B; plus strand). Cytogenetic location: 20q11.22.
Variant type: Indel.
Coding change: c.4315_4316delinsGG on transcript NM_020884.7 (MANE Select); coding-DNA positions 4315 to 4316, CT replaced by GG.
Protein change: p.Leu1439Gly; replaces leucine 1439 with glycine.
Molecular consequence: missense variant.
Genome position (GRCh38, 1-based): chr20:34,999,180-34,999,181, CT replaced by GG. VCF-style: chr20-34999180-CT-GG. GRCh37 (hg19) VCF-style: chr20-33586983-CT-GG.
Other names: short protein forms L1439G.
Identifiers: ClinVar variation 3682540 (VCV003682540.2).